The following is an entry in ClinVar:

NM_020631.6(PLEKHG5):c.1596G>A (p.Arg532=)

Gene: PLEKHG5 (pleckstrin homology and RhoGEF domain containing G5; minus strand). Cytogenetic location: 1p36.31.
Variant type: single nucleotide variant.
Coding change: c.1596G>A on transcript NM_020631.6 (MANE Select); coding-DNA position 1596, G replaced by A.
Protein change: p.Arg532=; no amino-acid change (arginine 532 retained).
Molecular consequence: synonymous variant.
Genome position (GRCh38, 1-based): chr1:6,470,590, C>T on the plus strand (G>A on the coding strand, the complement: PLEKHG5 is on the minus strand). VCF-style: chr1-6470590-C-T. GRCh37 (hg19) VCF-style: chr1-6530650-C-T.
Other names: c.1707G>A, p.Arg569= (NM_001042663.3, NM_001265592.2); c.1596G>A, p.Arg532= (NM_001042664.2, NM_001042665.2, NM_001265594.3 and 1 more transcripts); c.1803G>A, p.Arg601= (NM_001265593.2).
Identifiers: ClinVar variation 1596420 (VCV001596420.33), dbSNP rs777519794, ClinGen allele CA561451.

ClinVar aggregate classification (germline): Likely benign. Review status: criteria provided, multiple submitters, no conflicts (2 of 4 stars). 3 submissions from 3 submitters: Likely benign (3). Last evaluated 2024-10-21.

Conditions:
Charcot-Marie-Tooth disease recessive intermediate C. Also called: CHARCOT-MARIE-TOOTH NEUROPATHY, RECESSIVE INTERMEDIATE C. Identifiers: Orphanet 369867, MedGen C3809309, MONDO:0014154, OMIM 615376.
Neuronopathy, distal hereditary motor, autosomal recessive 4. Also called: NEUROPATHY, DISTAL HEREDITARY MOTOR, AUTOSOMAL RECESSIVE 4; Autosomal recessive lower motor neuron disease with childhood onset. Identifiers: Orphanet 206580, MedGen C1970211, MONDO:0012608, OMIM 611067.

Allele frequency attached by ClinVar (database versions not stated): gnomAD 0.00001; ExAC 0.00003; gnomAD exomes 0.00003; TOPMed 0.00003.
gnomAD v4.1: 30 of 1,602,966 alleles (0.0019%); highest among the groups gnomAD compares: Middle Eastern, 0.069%; no homozygotes.

Submissions (3):

Blueprint Genetics
Classification: Likely benign. Last evaluated: 2024-10-21. Review status: criteria provided, single submitter. Criteria: ACMG Guidelines, 2015. Collection method: clinical testing. Allele origin: germline.

Labcorp Genetics (formerly Invitae), Labcorp
Classification: Likely benign for Neuronopathy, distal hereditary motor, autosomal recessive 4; Charcot-Marie-Tooth disease recessive intermediate C. Last evaluated: 2024-01-18. Review status: criteria provided, single submitter. Criteria: Invitae Variant Classification Sherloc (09022015). Collection method: clinical testing. Allele origin: germline.

CeGaT Center for Human Genetics Tuebingen
Classification: Likely benign. Last evaluated: 2023-03-01. Review status: criteria provided, single submitter. Criteria: CeGaT Center For Human Genetics Tuebingen Variant Classification Criteria Version 2. Collection method: clinical testing. Allele origin: germline. Affected: yes. Observed: 1 variant allele.
Comment: PLEKHG5: BP4, BP7